The following is an entry in ClinVar:

NM_001318510.2(ACSL4):c.402T>A (p.Phe134Leu)

Gene: ACSL4 (acyl-CoA synthetase long chain family member 4; minus strand). Cytogenetic location: Xq23.
Variant type: single nucleotide variant.
Coding change: c.402T>A on transcript NM_001318510.2 (MANE Select); coding-DNA position 402, T replaced by A.
Protein change: p.Phe134Leu; replaces phenylalanine 134 with leucine.
Molecular consequence: missense variant.
Genome position (GRCh38, 1-based): chrX:109,682,723, A>T on the plus strand (T>A on the coding strand, the complement: ACSL4 is on the minus strand). VCF-style: chrX-109682723-A-T. GRCh37 (hg19) VCF-style: chrX-108925952-A-T.
Other names: c.402T>A, p.Phe134Leu (NM_001437251.1, NM_001437252.1, NM_001437253.1 and 2 more transcripts); c.525T>A, p.Phe175Leu (NM_022977.3, NM_001318509.2, NM_001437245.1 and 2 more transcripts); short protein forms F134L, F175L.
Identifiers: ClinVar variation 4882299 (VCV004882299.2).

ClinVar aggregate classification (germline): Uncertain significance (1 of 4 stars; one submission).

Submission:

Dasa
Classification: Uncertain significance. Last evaluated: 2025-06-20. Review status: criteria provided, single submitter. Criteria: DASA Assertion Criteria. Collection method: clinical testing. Allele origin: germline.
Comment: NM_001318510.2(ACSL4):c.402T>A (p.Phe134Leu) is a missense variant that results in the substitution of phenylalanine with leucine. This variant is absent from population databases. Computational prediction algorithms are consistent with a benign effect. The currently available literature and clinical evidence are not sufficient to establish a definitive association between this variant and the reported condition. Therefore, this variant is classified as a variant of uncertain significance.